The following is an entry in ClinVar:

NM_012418.4(FSCN2):c.257G>T (p.Arg86Leu)

Gene: FSCN2 (fascin actin-bundling protein 2, retinal; plus strand). Cytogenetic location: 17q25.3.
Variant type: single nucleotide variant.
Coding change: c.257G>T on transcript NM_012418.4 (MANE Select); coding-DNA position 257, G replaced by T.
Protein change: p.Arg86Leu; replaces arginine 86 with leucine.
Molecular consequence: missense variant.
Genome position (GRCh38, 1-based): chr17:81,528,788, G>T. VCF-style: chr17-81528788-G-T. GRCh37 (hg19) VCF-style: chr17-79495814-G-T.
Other names: c.257G>T, p.Arg86Leu (NM_001077182.3); short protein forms R86L.
Identifiers: ClinVar variation 1463613 (VCV001463613.6), dbSNP rs782411818, ClinGen allele CA401470386.

ClinVar aggregate classification (germline): Uncertain significance (1 of 4 stars; one submission).

gnomAD v4.1: 1 of 1,566,714 alleles (0.000064%); highest among the groups gnomAD compares: South Asian, 0.0012%; no homozygotes.

Submission:

Labcorp Genetics (formerly Invitae), Labcorp
Classification: Uncertain significance. Last evaluated: 2022-07-12. Review status: criteria provided, single submitter. Criteria: Invitae Variant Classification Sherloc (09022015). Collection method: clinical testing. Allele origin: germline.
Comment: ClinVar contains an entry for this variant (Variation ID: 1463613). This sequence change replaces arginine, which is basic and polar, with leucine, which is neutral and non-polar, at codon 86 of the FSCN2 protein (p.Arg86Leu). The frequency data for this variant in the population databases is considered unreliable, as metrics indicate poor data quality at this position in the gnomAD database. This variant has not been reported in the literature in individuals affected with FSCN2-related conditions. Algorithms developed to predict the effect of missense changes on protein structure and function (SIFT, PolyPhen-2, Align-GVGD) all suggest that this variant is likely to be tolerated. In summary, the available evidence is currently insufficient to determine the role of this variant in disease. Therefore, it has been classified as a Variant of Uncertain Significance.